The following is an entry in ClinVar:

ClinVar aggregate classification (germline): Likely benign. Review status: criteria provided, multiple submitters, no conflicts (2 of 4 stars). 4 submissions from 4 submitters: Likely benign (3). 1 of the submissions does not count toward it. Last evaluated 2026-01-28.

Conditions:
COL11A2-related disorder. Also called: COL11A2-related condition; COL11A2-related disorders.

Allele frequency attached by ClinVar (database versions not stated): gnomAD 0.00009; TOPMed 0.00011; ESP Exome Variant Server 0.00012; 1000 Genomes Project 30x 0.00016; 1000 Genomes Project 0.00020.
gnomAD v4.1: 97 of 1,612,862 alleles (0.006%); highest among the groups gnomAD compares: Admixed American, 0.042%; no homozygotes.

Submissions (4):

Labcorp Genetics (formerly Invitae), Labcorp
Classification: Likely benign. Last evaluated: 2026-01-28. Review status: criteria provided, single submitter. Criteria: Invitae Variant Classification Sherloc (09022015). Collection method: clinical testing. Allele origin: germline.

Blueprint Genetics
Classification: Likely benign. Last evaluated: 2021-12-14. Review status: criteria provided, single submitter. Criteria: ACMG Guidelines, 2015. Collection method: clinical testing. Allele origin: germline.

GeneDx
Classification: Likely benign. Last evaluated: 2021-10-06. Review status: criteria provided, single submitter. Criteria: GeneDx Variant Classification Process June 2021. Collection method: clinical testing. Allele origin: germline. Affected: yes.

PreventionGenetics, part of Exact Sciences
Classification: Likely benign for COL11A2-related condition. Last evaluated: 2019-07-22. Review status: no assertion criteria provided. Collection method: clinical testing. Allele origin: germline. Not counted in ClinVar's aggregate classification.
Comment: This variant is classified as likely benign based on ACMG/AMP sequence variant interpretation guidelines (Richards et al. 2015 PMID: 25741868, with internal and published modifications).

NM_080680.3(COL11A2):c.3021G>A (p.Pro1007=)

Gene: COL11A2 (collagen type XI alpha 2 chain; minus strand). Cytogenetic location: 6p21.32.
Variant type: single nucleotide variant.
Coding change: c.3021G>A on transcript NM_080680.3 (MANE Select); coding-DNA position 3021, G replaced by A.
Protein change: p.Pro1007=; no amino-acid change (proline 1007 retained).
Molecular consequence: synonymous variant.
Genome position (GRCh38, 1-based): chr6:33,172,071, C>T on the plus strand (G>A on the coding strand, the complement: COL11A2 is on the minus strand). VCF-style: chr6-33172071-C-T. GRCh37 (hg19) VCF-style: chr6-33139848-C-T.
Other names: c.2700G>A, p.Pro900= (NM_080679.3); c.2763G>A, p.Pro921= (NM_080681.3).
Identifiers: ClinVar variation 1157473 (VCV001157473.16), dbSNP rs370652074, ClinGen allele CA3750667.